The following is an entry in ClinVar:

NM_001367624.2(ZNF469):c.3127G>A (p.Gly1043Ser)

Genes: ZNF469 (zinc finger protein 469; plus strand), LOC130059718 (ATAC-STARR-seq lymphoblastoid silent region 7847; plus strand). Cytogenetic location: 16q24.2.
Variant type: single nucleotide variant.
Coding change: c.3127G>A on transcript NM_001367624.2 (MANE Select); coding-DNA position 3127, G replaced by A.
Protein change: p.Gly1043Ser; replaces glycine 1043 with serine.
Molecular consequence: missense variant.
Genome position (GRCh38, 1-based): chr16:88,430,597, G>A. VCF-style: chr16-88430597-G-A. GRCh37 (hg19) VCF-style: chr16-88497005-G-A.
Other names: short protein forms G1043S.
Identifiers: ClinVar variation 4688619 (VCV004688619.1).

ClinVar aggregate classification (germline): Uncertain significance (1 of 4 stars; one submission).

gnomAD v4.1: 2 of 1,500,532 alleles (0.00013%); highest among the groups gnomAD compares: Non-Finnish European, 0.00018%; no homozygotes.

Submission:

Women's Health and Genetics/Laboratory Corporation of America, LabCorp
Classification: Uncertain significance. Last evaluated: 2025-12-03. Review status: criteria provided, single submitter. Criteria: LabCorp Variant Classification Summary - May 2015. Collection method: clinical testing. Allele origin: germline.
Comment: Variant summary: ZNF469 c.3127G>A (p.Gly1043Ser) results in a non-conservative amino acid change in the encoded protein sequence. Algorithms developed to predict the effect of missense changes on protein structure and function are either unavailable or do not agree on the potential impact of this missense change. The variant allele was found at a frequency of 9.9e-06 in 101148 control chromosomes. The available data on variant occurrences in the general population are insufficient to allow any conclusion about variant significance. To our knowledge, no occurrence of c.3127G>A in individuals affected with ZNF469-related conditions and no experimental evidence demonstrating its impact on protein function have been reported. No submitters have cited clinical-significance assessments for this variant to ClinVar. Based on the evidence outlined above, the variant was classified as uncertain significance.